The following is an entry in ClinVar:

NM_004548.3(NDUFB10):c.407G>A (p.Arg136His)

Genes: NDUFB10 (NADH:ubiquinone oxidoreductase subunit B10; plus strand), LOC130058198 (ATAC-STARR-seq lymphoblastoid active region 10241; plus strand). Cytogenetic location: 16p13.3.
Variant type: single nucleotide variant.
Coding change: c.407G>A on transcript NM_004548.3 (MANE Select); coding-DNA position 407, G replaced by A.
Protein change: p.Arg136His; replaces arginine 136 with histidine.
Molecular consequence: missense variant.
Genome position (GRCh38, 1-based): chr16:1,961,634, G>A. VCF-style: chr16-1961634-G-A. GRCh37 (hg19) VCF-style: chr16-2011635-G-A.
Other names: short protein forms R136H.
Identifiers: ClinVar variation 4738688 (VCV004738688.1).

ClinVar aggregate classification (germline): Uncertain significance (1 of 4 stars; one submission).

gnomAD v4.1: 25 of 1,608,862 alleles (0.0016%); highest among the groups gnomAD compares: South Asian, 0.019%; no homozygotes.

Submission:

Labcorp Genetics (formerly Invitae), Labcorp
Classification: Uncertain significance. Last evaluated: 2025-12-01. Review status: criteria provided, single submitter. Criteria: Invitae Variant Classification Sherloc (09022015). Collection method: clinical testing. Allele origin: germline.
Comment: This sequence change replaces arginine, which is basic and polar, with histidine, which is basic and polar, at codon 136 of the NDUFB10 protein (p.Arg136His). This variant is present in population databases (rs375783041, gnomAD 0.02%). This variant has not been reported in the literature in individuals affected with NDUFB10-related conditions. An algorithm developed to predict the effect of missense changes on protein structure and function (PolyPhen-2) suggests that this variant is likely to be disruptive. In summary, the available evidence is currently insufficient to determine the role of this variant in disease. Therefore, it has been classified as a Variant of Uncertain Significance.